The following is an entry in ClinVar:

ClinVar aggregate classification (germline): Uncertain significance. Review status: criteria provided, multiple submitters, no conflicts (2 of 4 stars). 2 submissions from 2 submitters: Uncertain significance (2). Last evaluated 2024-09-08.

Conditions:
MEGF10-related myopathy (CMYO10A). Also called: Congenital myopathy 10A, severe variant. Identifiers: Orphanet 439212, MedGen C3280679, MONDO:0013731, OMIM 614399.

Allele frequency attached by ClinVar (database versions not stated): gnomAD exomes below 0.00001; gnomAD 0.00001; ExAC 0.00002; ESP Exome Variant Server 0.00008.
gnomAD v4.1: 12 of 1,613,882 alleles (0.00074%); highest among the groups gnomAD compares: Admixed American, 0.0033%; no homozygotes.

Submissions (2):

GeneDx
Classification: Uncertain significance. Last evaluated: 2024-09-08. Review status: criteria provided, single submitter. Criteria: GeneDx Variant Classification Process June 2021. Collection method: clinical testing. Allele origin: germline. Affected: yes.
Comment: Not observed at significant frequency in large population cohorts (gnomAD); In silico analysis indicates that this missense variant does not alter protein structure/function; Has not been previously published as pathogenic or benign to our knowledge

Labcorp Genetics (formerly Invitae), Labcorp
Classification: Uncertain significance for MEGF10-related myopathy. Last evaluated: 2022-08-16. Review status: criteria provided, single submitter. Criteria: Invitae Variant Classification Sherloc (09022015). Collection method: clinical testing. Allele origin: germline.
Comment: In summary, the available evidence is currently insufficient to determine the role of this variant in disease. Therefore, it has been classified as a Variant of Uncertain Significance. Algorithms developed to predict the effect of missense changes on protein structure and function (SIFT, PolyPhen-2, Align-GVGD) all suggest that this variant is likely to be disruptive. ClinVar contains an entry for this variant (Variation ID: 1063058). This variant has not been reported in the literature in individuals affected with MEGF10-related conditions. This variant is present in population databases (rs374111304, gnomAD 0.01%). This sequence change replaces arginine, which is basic and polar, with cysteine, which is neutral and slightly polar, at codon 558 of the MEGF10 protein (p.Arg558Cys).

NM_001256545.2(MEGF10):c.1672C>T (p.Arg558Cys)

Gene: MEGF10 (multiple EGF like domains 10; plus strand). Cytogenetic location: 5q23.2.
Variant type: single nucleotide variant.
Coding change: c.1672C>T on transcript NM_001256545.2 (MANE Select); coding-DNA position 1672, C replaced by T.
Protein change: p.Arg558Cys; replaces arginine 558 with cysteine.
Molecular consequence: missense variant.
Genome position (GRCh38, 1-based): chr5:127,422,751, C>T. VCF-style: chr5-127422751-C-T. GRCh37 (hg19) VCF-style: chr5-126758443-C-T.
Other names: c.1672C>T, p.Arg558Cys (NM_001308119.2, NM_001308121.2, NM_032446.3); c.1672C>T (NM_032446.2); short protein forms R558C.
Identifiers: ClinVar variation 1063058 (VCV001063058.8), dbSNP rs374111304, ClinGen allele CA3391665.